The following is an entry in ClinVar:

NC_000012.12:g.121641058G>A

Gene: ORAI1 (ORAI calcium release-activated calcium modulator 1; plus strand). Cytogenetic location: 12q24.31.
Variant type: single nucleotide variant.
Molecular consequence: non-coding transcript variant (on NR_186857.1).
Genome position: GRCh38 VCF-style: chr12-121641058-G-A. GRCh37 (hg19) VCF-style: chr12-122078964-G-A.
Identifiers: ClinVar variation 3763716 (VCV003763716.4).

ClinVar aggregate classification (germline): Likely benign. Review status: criteria provided, multiple submitters, no conflicts (2 of 4 stars). 2 submissions from 2 submitters: Likely benign (2). Last evaluated 2026-04-01.

Conditions:
Myopathy, tubular aggregate, 2 (TAM2). Identifiers: MedGen C4014557, MONDO:0014383, OMIM 615883.
Combined immunodeficiency due to ORAI1 deficiency. Also called: IMMUNODEFICIENCY 9. Identifiers: Orphanet 169090, Orphanet 317428, MedGen C2748568, MONDO:0013007, OMIM 612782.

Submissions (2):

CeGaT Center for Human Genetics Tuebingen
Classification: Likely benign. Last evaluated: 2026-04-01. Review status: criteria provided, single submitter. Criteria: CeGaT Center For Human Genetics Tuebingen Variant Classification Criteria Version 2. Collection method: clinical testing. Allele origin: germline. Affected: yes. Observed: 1 variant allele.
Comment: ORAI1: BP4, BP7

Labcorp Genetics (formerly Invitae), Labcorp
Classification: Likely benign for Myopathy, tubular aggregate, 2; Combined immunodeficiency due to ORAI1 deficiency. Last evaluated: 2024-02-24. Review status: criteria provided, single submitter. Criteria: Invitae Variant Classification Sherloc (09022015). Collection method: clinical testing. Allele origin: germline.